The following is an entry in ClinVar:

NM_182643.3(DLC1):c.3328-3C>A

Gene: DLC1 (DLC1 Rho GTPase activating protein; minus strand). Cytogenetic location: 8p22.
Variant type: single nucleotide variant.
Coding change: c.3328-3C>A on transcript NM_182643.3 (MANE Select); 3 bases into the intron before coding-DNA position 3328, C replaced by A.
Molecular consequence: intron variant.
Genome position (GRCh38, 1-based): chr8:13,094,960, G>T on the plus strand (C>A on the coding strand, the complement: DLC1 is on the minus strand). VCF-style: chr8-13094960-G-T. GRCh37 (hg19) VCF-style: chr8-12952469-G-T.
Other names: c.1795-3C>A (NM_001348082.2, NM_001348084.2, NM_001164271.2 and 1 more transcripts); c.3328-3C>A (NM_001348081.2); c.2119-3C>A (NM_001316668.2); c.2017-3C>A (NM_006094.5).
Identifiers: ClinVar variation 2190979 (VCV002190979.4), dbSNP rs925336911, ClinGen allele CA172191774.
Genomic context (GRCh38, chr8:13,094,960, plus strand): 5'-TCATCTGGCGCAGAGCCTGAATCCGGGACTTGACCCCCGATTTTCTGAAGAGCCCAACCT[G>T]TCGGAAGAGCAACACTAAGTGTGGGGTACATTCACGTGGACGCAGTGTTTACACCACACA-3'

ClinVar aggregate classification (germline): Uncertain significance (1 of 4 stars; one submission).

Submission:

Labcorp Genetics (formerly Invitae), Labcorp
Classification: Uncertain significance. Last evaluated: 2023-06-13. Review status: criteria provided, single submitter. Criteria: Invitae Variant Classification Sherloc (09022015). Collection method: clinical testing. Allele origin: germline.
Comment: This variant has not been reported in the literature in individuals affected with DLC1-related conditions. This sequence change falls in intron 11 of the DLC1 gene. It does not directly change the encoded amino acid sequence of the DLC1 protein. It affects a nucleotide within the consensus splice site. This variant is not present in population databases (gnomAD no frequency). ClinVar contains an entry for this variant (Variation ID: 2190979). Variants that disrupt the consensus splice site are a relatively common cause of aberrant splicing (PMID: 17576681, 9536098). Algorithms developed to predict the effect of sequence changes on RNA splicing suggest that this variant is not likely to affect RNA splicing. In summary, the available evidence is currently insufficient to determine the role of this variant in disease. Therefore, it has been classified as a Variant of Uncertain Significance.

Literature cited by the submitters: PubMed 17576681; PubMed 9536098.